The following is an entry in ClinVar:

ClinVar aggregate classification (germline): Conflicting classifications of pathogenicity. Review status: criteria provided, conflicting classifications (1 of 4 stars). 5 submissions from 5 submitters: Uncertain significance (1); Benign (1); Likely benign (2). 1 of the submissions does not count toward it. Last evaluated 2025-11-17.

Conditions:
Finnish type amyloidosis. Also called: Amyloidosis, familial, Finnish type; Meretoja type amyloidosis; Amyloidosis 5; AMYLOIDOSIS, HEREDITARY SYSTEMIC 4, FINNISH TYPE; AMYLOID CRANIAL NEUROPATHY WITH LATTICE CORNEAL DYSTROPHY; AMYLOIDOSIS DUE TO MUTANT GELSOLIN. Identifiers: Orphanet 85448, MedGen C1622345, MONDO:0007097, OMIM 105120.
GSN-related disorder. Also called: GSN-related condition.
Inborn genetic diseases. Identifiers: MedGen C0950123, MeSH D030342.

Submissions (5):

Labcorp Genetics (formerly Invitae), Labcorp
Classification: Benign. Last evaluated: 2025-11-17. Review status: criteria provided, single submitter. Criteria: Invitae Variant Classification Sherloc (09022015). Collection method: clinical testing. Allele origin: germline.

PreventionGenetics, part of Exact Sciences
Classification: Likely benign for GSN-related condition. Last evaluated: 2025-09-16. Review status: criteria provided, single submitter. Criteria: ACMG Guidelines, 2015. Collection method: clinical testing. Allele origin: germline.
Comment: This variant is classified as likely benign based on ACMG/AMP sequence variant interpretation guidelines (Richards et al. 2015 PMID: 25741868, with internal and published modifications).

Ambry Genetics
Classification: Likely benign for Inborn genetic diseases. Last evaluated: 2019-10-25. Review status: criteria provided, single submitter. Criteria: Ambry Variant Classification Scheme 2023. Collection method: clinical testing. Allele origin: germline.

Neuberg Centre For Genomic Medicine, NCGM
Classification: Uncertain significance for Finnish type amyloidosis. Review status: criteria provided, single submitter. Criteria: ACMG Guidelines, 2015. Collection method: clinical testing. Allele origin: germline. Inheritance: Autosomal dominant inheritance. Affected: yes.
Comment: The frameshift p.His4ArgfsTer86 variant in the GSN gene has not been reported previously as a pathogenic variant nor as a benign variant, to our knowledge. The p.His4ArgfsTer86 variant is novel (not in any individuals) in 1000 Genomes. The variant is poorly covered in the gnomAD database and hence frequency estimates are not reliable. This variant causes a frameshift starting with codon Histidine 4, changes this amino acid to Arginine residue, and creates a premature Stop codon at position 86 of the new reading frame, denoted p.His4ArgfsTer86. For these reasons, this variant has been classified as Uncertain Significance

Gharavi Laboratory, Columbia University
Classification: Uncertain significance. Last evaluated: 2018-09-16. Review status: no assertion criteria provided. Criteria: ACMG Guidelines, 2015. Collection method: research. Allele origin: germline. Affected: yes. Not counted in ClinVar's aggregate classification.

NM_198252.3(GSN):c.-9-2091_-9-2064del

Gene: GSN (gelsolin; plus strand). Cytogenetic location: 9q33.2.
Variant type: Deletion.
Coding change: c.-9-2091_-9-2064del on transcript NM_198252.3 (MANE Select); 2091 bases into the intron before 9 bases upstream of the start codon through 2064 bases into the intron before 9 bases upstream of the start codon, 28 bases deleted (ACCGCCCCGCGCCCGCGCTGCTTTGCGC).
Molecular consequence: intron variant. On other transcripts: frameshift variant (1).
Genome position (GRCh38, 1-based): chr9:121,299,872-121,299,899, ACCGCCCCGCGCCCGCGCTGCTTTGCGC deleted; deleting any 28 consecutive bases within chr9:121,299,869-121,299,899 gives the same sequence; the c. name uses the placement nearest the transcript's 3' end. VCF-style (leftmost placement, unchanged base first): chr9-121299868-CCGCACCGCCCCGCGCCCGCGCTGCTTTG-C. GRCh37 (hg19) VCF-style: chr9-124062146-CCGCACCGCCCCGCGCCCGCGCTGCTTTG-C.
Other names: c.-47-184_-47-157del (NM_001353074.2, NM_001353069.2, NM_001353071.2 and 7 more transcripts); c.-9-2091_-9-2064del (NM_001127665.2, NM_001127662.2, NM_001353062.1 and 5 more transcripts); c.-38-193_-38-166del (NM_001127667.2, NM_001353063.2, NM_001353073.2 and 2 more transcripts); c.-32-199_-32-172del (NM_001353070.2); c.-48-2052_-48-2025del (NM_001353055.2); c.-1-2099_-1-2072del (NM_001353057.2, NM_001353058.2, NM_001353059.2 and 1 more transcripts); c.-458-3039_-458-3012del (NM_001353078.2); c.43-2091_43-2064del (NM_001258029.2); and 4 more; short protein forms H4fs.
Identifiers: ClinVar variation 591908 (VCV000591908.11), dbSNP rs764841269, ClinGen allele CA5220645.